The following is an entry in ClinVar:

ClinVar aggregate classification (germline): Likely benign (1 of 4 stars; one submission).

Allele frequency attached by ClinVar (database versions not stated): gnomAD exomes below 0.00001.
gnomAD v4.1: 2 of 1,614,066 alleles (0.00012%); highest among the groups gnomAD compares: African/African-American, 0.0013%; no homozygotes.

Submission:

CeGaT Center for Human Genetics Tuebingen
Classification: Likely benign. Last evaluated: 2023-10-01. Review status: criteria provided, single submitter. Criteria: CeGaT Center For Human Genetics Tuebingen Variant Classification Criteria Version 2. Collection method: clinical testing. Allele origin: germline. Affected: yes. Observed: 1 variant allele.
Comment: KDM5B: PM2:Supporting, BP4, BP7

NM_006618.5(KDM5B):c.2547G>A (p.Leu849=)

Gene: KDM5B (lysine demethylase 5B; minus strand). Cytogenetic location: 1q32.1.
Variant type: single nucleotide variant.
Coding change: c.2547G>A on transcript NM_006618.5 (MANE Select); coding-DNA position 2547, G replaced by A.
Protein change: p.Leu849=; no amino-acid change (leucine 849 retained).
Molecular consequence: synonymous variant.
Genome position (GRCh38, 1-based): chr1:202,742,433, C>T on the plus strand (G>A on the coding strand, the complement: KDM5B is on the minus strand). VCF-style: chr1-202742433-C-T. GRCh37 (hg19) VCF-style: chr1-202711561-C-T.
Other names: c.2655G>A, p.Leu885= (NM_001314042.2); c.2412G>A, p.Leu804= (NM_001347591.2); c.2532G>A, p.Leu844= (NM_001399817.1).
Identifiers: ClinVar variation 2639796 (VCV002639796.24), dbSNP rs1655381495, ClinGen allele CA422797833.